The following is an entry in ClinVar:

ClinVar aggregate classification (germline): Uncertain significance (1 of 4 stars; one submission).

Allele frequency attached by ClinVar (database versions not stated): gnomAD 0.00001.
gnomAD v4.1: 1 of 1,613,968 alleles (0.000062%); highest among the groups gnomAD compares: Non-Finnish European, 0.000085%; no homozygotes.

Submission:

Ambry Genetics
Classification: Uncertain significance. Last evaluated: 2023-09-20. Review status: criteria provided, single submitter. Criteria: Ambry Variant Classification Scheme 2023. Collection method: clinical testing. Allele origin: germline.
Comment: The p.F1359V variant (also known as c.4075T>G), located in coding exon 17 of the NPAT gene, results from a T to G substitution at nucleotide position 4075. The phenylalanine at codon 1359 is replaced by valine, an amino acid with highly similar properties. This amino acid position is conserved. In addition, this alteration is predicted to be tolerated by in silico analysis. Since supporting evidence is limited at this time, the clinical significance of this alteration remains unclear.

NM_002519.3(NPAT):c.4075T>G (p.Phe1359Val)

Gene: NPAT (nuclear protein, coactivator of histone transcription; minus strand). Cytogenetic location: 11q22.3.
Variant type: single nucleotide variant.
Coding change: c.4075T>G on transcript NM_002519.3 (MANE Select); coding-DNA position 4075, T replaced by G.
Protein change: p.Phe1359Val; replaces phenylalanine 1359 with valine.
Molecular consequence: missense variant.
Genome position (GRCh38, 1-based): chr11:108,161,011, A>C on the plus strand (T>G on the coding strand, the complement: NPAT is on the minus strand). VCF-style: chr11-108161011-A-C. GRCh37 (hg19) VCF-style: chr11-108031738-A-C.
Other names: c.4096T>G, p.Phe1366Val (NM_001321307.1); short protein forms F1366V, F1359V.
Identifiers: ClinVar variation 2545416 (VCV002545416.2), dbSNP rs1279378223, ClinGen allele CA382509424.